The following is an entry in ClinVar:

NM_002691.4(POLD1):c.3178C>T (p.Arg1060Cys)

Gene: POLD1 (DNA polymerase delta 1, catalytic subunit; plus strand). Cytogenetic location: 19q13.33.
Variant type: single nucleotide variant.
Coding change: c.3178C>T on transcript NM_002691.4 (MANE Select); coding-DNA position 3178, C replaced by T.
Protein change: p.Arg1060Cys; replaces arginine 1060 with cysteine.
Molecular consequence: missense variant. On other transcripts: non-coding transcript variant (1).
Genome position (GRCh38, 1-based): chr19:50,417,229, C>T. VCF-style: chr19-50417229-C-T. GRCh37 (hg19) VCF-style: chr19-50920486-C-T.
Other names: c.3178C>T, p.Arg1060Cys (NM_001256849.1); c.3256C>T, p.Arg1086Cys (NM_001308632.1); c.3178C>T (NM_002691.2); short protein forms R1086C, R1060C.
Identifiers: ClinVar variation 838770 (VCV000838770.9), dbSNP rs777018011, ClinGen allele CA9596782.
Genomic context (GRCh38, chr19:50,417,229, plus strand): 5'-CAGGTATCCCATCTGAATGCCCTGGAGGAGCGCTTCTCGCGCCTCTGGACGCAGTGCCAG[C>T]GCTGCCAGGGCAGCCTGCACGAGGACGTCATCTGCACCAGGTGTGTGCCATGTCCCGACC-3'
Protein context (NP_002682.2, residues 1050-1070): RFSRLWTQCQ[Arg1060Cys]CQGSLHEDVI

ClinVar aggregate classification (germline): Uncertain significance. Review status: criteria provided, multiple submitters, no conflicts (2 of 4 stars). 3 submissions from 3 submitters: Uncertain significance (2). 1 of the submissions does not count toward it. Last evaluated 2024-11-08.

Conditions:
Immunodeficiency 120. Identifiers: MedGen C5935622, MONDO:0970994, OMIM 620836.
Hereditary cancer-predisposing syndrome. Also called: Tumor predisposition; Hereditary Cancer Syndrome; Hereditary neoplastic syndrome; Neoplastic Syndromes, Hereditary. Identifiers: Orphanet 140162, MedGen C0027672, MeSH D009386, MONDO:0015356.
POLD1-related polyposis and colorectal cancer syndrome (CRCS10). Also called: Colorectal cancer 10; COLORECTAL CANCER, SUSCEPTIBILITY TO, ON CHROMOSOME 19q; Colorectal cancer, susceptibility to, 10. Identifiers: Orphanet 220460, MedGen C2675481, MONDO:0012953, OMIM 612591.

Allele frequency attached by ClinVar (database versions not stated): ExAC 0.00001; gnomAD exomes 0.00001; TOPMed 0.00001.
gnomAD v4.1: 6 of 1,604,524 alleles (0.00037%); highest among the groups gnomAD compares: Admixed American, 0.0017%; no homozygotes.

Submissions (3):

Ambry Genetics
Classification: Uncertain significance for Hereditary cancer-predisposing syndrome. Last evaluated: 2024-11-08. Review status: criteria provided, single submitter. Criteria: Ambry Variant Classification Scheme 2023. Collection method: clinical testing. Allele origin: germline.
Comment: The p.R1060C variant (also known as c.3178C>T), located in coding exon 25 of the POLD1 gene, results from a C to T substitution at nucleotide position 3178. The arginine at codon 1060 is replaced by cysteine, an amino acid with highly dissimilar properties. This amino acid position is highly conserved in available vertebrate species. In addition, the in silico prediction for this alteration is inconclusive. Based on the available evidence, the clinical significance of this variant remains unclear.

Labcorp Genetics (formerly Invitae), Labcorp
Classification: Uncertain significance for POLD1-related polyposis and colorectal cancer syndrome. Last evaluated: 2023-07-10. Review status: criteria provided, single submitter. Criteria: Invitae Variant Classification Sherloc (09022015). Collection method: clinical testing. Allele origin: germline.
Comment: ClinVar contains an entry for this variant (Variation ID: 838770). In summary, the available evidence is currently insufficient to determine the role of this variant in disease. Therefore, it has been classified as a Variant of Uncertain Significance. Experimental studies have shown that this missense change affects POLD1 function (PMID: 31629014). Advanced modeling of protein sequence and biophysical properties (such as structural, functional, and spatial information, amino acid conservation, physicochemical variation, residue mobility, and thermodynamic stability) performed at Invitae indicates that this missense variant is not expected to disrupt POLD1 protein function. This missense change has been observed in individual(s) with autosomal recessive combined immunodeficiency (PMID: 31629014). It has also been observed to segregate with disease in related individuals. The frequency data for this variant in the population databases is considered unreliable, as metrics indicate poor data quality at this position in the gnomAD database. This sequence change replaces arginine, which is basic and polar, with cysteine, which is neutral and slightly polar, at codon 1060 of the POLD1 protein (p.Arg1060Cys).

OMIM
Classification: Pathogenic for IMMUNODEFICIENCY 120. Last evaluated: 2024-05-30. Review status: no assertion criteria provided. Collection method: literature only. Allele origin: germline. Not counted in ClinVar's aggregate classification.

Literature cited by the submitters: PubMed 31629014 (cited by Labcorp Genetics (formerly Invitae), Labcorp).